The following is an entry in ClinVar:

ClinVar aggregate classification (germline): Uncertain significance (1 of 4 stars; one submission).

Allele frequency attached by ClinVar (database versions not stated): TOPMed 0.00001.
gnomAD v4.1: 3 of 1,614,170 alleles (0.00019%); highest among the groups gnomAD compares: East Asian, 0.0067%; no homozygotes.

Submission:

Labcorp Genetics (formerly Invitae), Labcorp
Classification: Uncertain significance. Last evaluated: 2022-04-24. Review status: criteria provided, single submitter. Criteria: Invitae Variant Classification Sherloc (09022015). Collection method: clinical testing. Allele origin: germline.
Comment: In summary, the available evidence is currently insufficient to determine the role of this variant in disease. Therefore, it has been classified as a Variant of Uncertain Significance. Algorithms developed to predict the effect of missense changes on protein structure and function (SIFT, PolyPhen-2, Align-GVGD) all suggest that this variant is likely to be disruptive. This variant has not been reported in the literature in individuals affected with APOA4-related conditions. This variant is present in population databases (no rsID available, gnomAD 0.006%). This sequence change replaces glycine, which is neutral and non-polar, with cysteine, which is neutral and slightly polar, at codon 330 of the APOA4 protein (p.Gly330Cys).

NM_000482.4(APOA4):c.988G>T (p.Gly330Cys)

Gene: APOA4 (apolipoprotein A4; minus strand). Cytogenetic location: 11q23.3.
Variant type: single nucleotide variant.
Coding change: c.988G>T on transcript NM_000482.4 (MANE Select); coding-DNA position 988, G replaced by T.
Protein change: p.Gly330Cys; replaces glycine 330 with cysteine.
Molecular consequence: missense variant.
Genome position (GRCh38, 1-based): chr11:116,821,070, C>A on the plus strand (G>T on the coding strand, the complement: APOA4 is on the minus strand). VCF-style: chr11-116821070-C-A. GRCh37 (hg19) VCF-style: chr11-116691786-C-A.
Other names: short protein forms G330C.
Identifiers: ClinVar variation 1976461 (VCV001976461.5), dbSNP rs1276295892, ClinGen allele CA382699581.
Genomic context (GRCh38, chr11:116,821,070, plus strand): 5'-TGTCCCTCAGGTCCTTCTCCAGGAAGCTCAAGTGGCCTTCCACGTCCCCCGCATGGGGGC[C>A]CAGTTTCTGCCTGAGCTGTTCCATCTGCTGCACCAGGGCTTTGTTGAAGTTTTCCCCGTA-3'
Protein context (NP_000473.2, residues 320-340): QQMEQLRQKL[Gly330Cys]PHAGDVEGHL